The following is an entry in ClinVar:

NM_000237.3(LPL):c.64C>A (p.Arg22Ser)

Gene: LPL (lipoprotein lipase; plus strand). Cytogenetic location: 8p21.3.
Variant type: single nucleotide variant.
Coding change: c.64C>A on transcript NM_000237.3 (MANE Select); coding-DNA position 64, C replaced by A.
Protein change: p.Arg22Ser; replaces arginine 22 with serine.
Molecular consequence: missense variant.
Genome position (GRCh38, 1-based): chr8:19,939,504, C>A. VCF-style: chr8-19939504-C-A. GRCh37 (hg19) VCF-style: chr8-19797015-C-A.
Other names: short protein forms R22S.
Identifiers: ClinVar variation 3291187 (VCV003291187.1).

ClinVar aggregate classification (germline): Uncertain significance (1 of 4 stars; one submission).

Conditions:
Cardiovascular phenotype. Identifiers: MedGen CN230736.

gnomAD v4.1: 9 of 1,609,828 alleles (0.00056%); highest among the groups gnomAD compares: Non-Finnish European, 0.000085%; no homozygotes.

Submission:

Ambry Genetics
Classification: Uncertain significance for Cardiovascular phenotype. Last evaluated: 2024-03-24. Review status: criteria provided, single submitter. Criteria: Ambry Variant Classification Scheme 2023. Collection method: clinical testing. Allele origin: germline.
Comment: The p.R22S variant (also known as c.64C>A), located in coding exon 1 of the LPL gene, results from a C to A substitution at nucleotide position 64. The arginine at codon 22 is replaced by serine, an amino acid with dissimilar properties. This amino acid position is conserved. In addition, this alteration is predicted to be tolerated by in silico analysis. Based on the available evidence, the clinical significance of this alteration remains unclear.